The following is an entry in ClinVar:

NC_000009.12:g.35658027_35658043dup

Gene: RMRP (RNA component of mitochondrial RNA processing endoribonuclease; minus strand). Cytogenetic location: 9p13.3.
Variant type: Duplication.
Genome position: GRCh38 VCF-style: chr9-35658026-C-CAGCTTCACAGAGTAGTA. GRCh37 (hg19) VCF-style: chr9-35658023-C-CAGCTTCACAGAGTAGTA.
Identifiers: ClinVar variation 2696713 (VCV002696713.3), dbSNP rs1554651479, ClinGen allele CA2697557721.
Genomic context (GRCh38, chr9:35,658,026, plus strand): 5'-GAGGAACAGAGTCCTCAGTGTGTAGCCTAGGATACAGGCCTTCAGCACGAACCACGTCCT[C>CAGCTTCACAGAGTAGTA]AGCTTCACAGAGTAGTATTTTATAGCCCTAAAGAAATTGTGTTTTATGATTAGGGTGAGA-3'

ClinVar aggregate classification (germline): Pathogenic (1 of 4 stars; one submission).

Conditions:
Anauxetic dysplasia. Identifiers: Orphanet 93347, MedGen C1846796, MONDO:0011773.

Submission:

Labcorp Genetics (formerly Invitae), Labcorp
Classification: Pathogenic for Anauxetic dysplasia. Last evaluated: 2023-11-17. Review status: criteria provided, single submitter. Criteria: Invitae Variant Classification Sherloc (09022015). Collection method: clinical testing. Allele origin: germline.
Comment: This variant occurs in the RMRP gene, which encodes an RNA molecule that does not result in a protein product. This variant is not present in population databases (gnomAD no frequency). While this particular variant has not been reported in the literature, it is located in the promoter region between the TATA box and the transcription initiation site, and other insertions and duplications immediately upstream of the coding sequence have been reported in individuals affected with cartilage-hair hypoplasia-anauxetic dysplasia (CHH-AD) spectrum disorders (PMID: 16244706, 11207361, 12107819). While functional studies for this variant have not been reported, experimental analyses using patient derived cells, as well as in vitro transfection studies, have shown that promoter insertions result in silencing of RMRP transcription and reduced expression of the gene product (PMID: 11207361, 16254002). For these reasons, this variant has been classified as Pathogenic.

Literature cited by the submitters: PubMed 16244706; PubMed 11207361; PubMed 12107819; PubMed 16254002.